The following is an entry in ClinVar:

NM_033118.4(MYLK2):c.434C>T (p.Ala145Val)

Gene: MYLK2 (myosin light chain kinase 2; plus strand). Cytogenetic location: 20q11.21.
Variant type: single nucleotide variant.
Coding change: c.434C>T on transcript NM_033118.4 (MANE Select); coding-DNA position 434, C replaced by T.
Protein change: p.Ala145Val; replaces alanine 145 with valine.
Molecular consequence: missense variant.
Genome position (GRCh38, 1-based): chr20:31,820,507, C>T. VCF-style: chr20-31820507-C-T. GRCh37 (hg19) VCF-style: chr20-30408310-C-T.
Other names: short protein forms A145V.
Identifiers: ClinVar variation 3668258 (VCV003668258.2).

ClinVar aggregate classification (germline): Uncertain significance (1 of 4 stars; one submission).

Conditions:
Hypertrophic cardiomyopathy 1 (CMH1). Also called: Familial hypertrophic cardiomyopathy 1; MYH7-Related Familial Hypertrophic Cardiomyopathy. Identifiers: MedGen C3495498, MONDO:0008647, OMIM 192600.

gnomAD v4.1: 3 of 1,604,986 alleles (0.00019%); highest among the groups gnomAD compares: Admixed American, 0.0017%; no homozygotes.

Submission:

Labcorp Genetics (formerly Invitae), Labcorp
Classification: Uncertain significance for Hypertrophic cardiomyopathy 1. Last evaluated: 2024-09-18. Review status: criteria provided, single submitter. Criteria: Invitae Variant Classification Sherloc (09022015). Collection method: clinical testing. Allele origin: germline.
Comment: This sequence change replaces alanine, which is neutral and non-polar, with valine, which is neutral and non-polar, at codon 145 of the MYLK2 protein (p.Ala145Val). This variant is not present in population databases (gnomAD no frequency). This variant has not been reported in the literature in individuals affected with MYLK2-related conditions. Invitae Evidence Modeling of protein sequence and biophysical properties (such as structural, functional, and spatial information, amino acid conservation, physicochemical variation, residue mobility, and thermodynamic stability) indicates that this missense variant is not expected to disrupt MYLK2 protein function with a negative predictive value of 80%. In summary, the available evidence is currently insufficient to determine the role of this variant in disease. Therefore, it has been classified as a Variant of Uncertain Significance.